The following is an entry in ClinVar:

ClinVar aggregate classification (germline): Uncertain significance (1 of 4 stars; one submission).

Submission:

Labcorp Genetics (formerly Invitae), Labcorp
Classification: Uncertain significance. Last evaluated: 2021-12-18. Review status: criteria provided, single submitter. Criteria: Invitae Variant Classification Sherloc (09022015). Collection method: clinical testing. Allele origin: germline.
Comment: In summary, the available evidence is currently insufficient to determine the role of this variant in disease. Therefore, it has been classified as a Variant of Uncertain Significance. Algorithms developed to predict the effect of missense changes on protein structure and function are either unavailable or do not agree on the potential impact of this missense change (SIFT: "Not Available"; PolyPhen-2: "Possibly Damaging"; Align-GVGD: "Not Available"). This variant has not been reported in the literature in individuals affected with ADAMTS10-related conditions. Information on the frequency of this variant in the gnomAD database is not available, as this variant may be reported differently in the database. This sequence change replaces leucine, which is neutral and non-polar, with tryptophan, which is neutral and slightly polar, at codon 872 of the ADAMTS10 protein (p.Leu872Trp).

NM_030957.4(ADAMTS10):c.2614_2615delinsTG (p.Leu872Trp)

Gene: ADAMTS10 (ADAM metallopeptidase with thrombospondin type 1 motif 10; minus strand). Cytogenetic location: 19p13.2.
Variant type: Indel.
Coding change: c.2614_2615delinsTG on transcript NM_030957.4 (MANE Select); coding-DNA positions 2614 to 2615, CT replaced by TG.
Protein change: p.Leu872Trp; replaces leucine 872 with tryptophan.
Molecular consequence: missense variant.
Genome position (GRCh38, 1-based): chr19:8,586,167-8,586,168, AG replaced by CA on the plus strand (CT replaced by TG on the coding strand, the reverse complement: ADAMTS10 is on the minus strand). VCF-style: chr19-8586167-AG-CA. GRCh37 (hg19) VCF-style: chr19-8651051-AG-CA.
Other names: c.1075_1076delinsTG, p.Leu359Trp (NM_001282352.2); short protein forms L359W, L872W.
Identifiers: ClinVar variation 2047103 (VCV002047103.4), dbSNP rs2512579030, ClinGen allele CA2580097148.
Genomic context (GRCh38, chr19:8,586,167, plus strand): 5'-CCTGGCGGCACTCACTCTGGAGGGCAAGGCTCCGTGTTGCAGGCGCGCTGCCTTTTGGGC[AG>CA]CTTGCTGTGGGCACTGCAGTAGTGGGGGGCGACCGCGGAGCTGTCCAGCTGGTTGCGGCA-3'
Protein context (NP_112219.3, residues 862-882): APHYCSAHSK[Leu872Trp]PKRQRACNTE